The following is an entry in ClinVar:

NM_001372051.1(CASP8):c.673G>C (p.Val225Leu)

Gene: CASP8 (caspase 8; plus strand). Cytogenetic location: 2q33.1.
Variant type: single nucleotide variant.
Coding change: c.673G>C on transcript NM_001372051.1 (MANE Select); coding-DNA position 673, G replaced by C.
Protein change: p.Val225Leu; replaces valine 225 with leucine.
Molecular consequence: missense variant. On other transcripts: non-coding transcript variant (21), intron variant (4).
Genome position (GRCh38, 1-based): chr2:201,276,839, G>C. VCF-style: chr2-201276839-G-C. GRCh37 (hg19) VCF-style: chr2-202141562-G-C.
Other names: c.850G>C, p.Val284Leu (NM_001080125.2); c.724G>C, p.Val242Leu (NM_001228.5); c.805G>C, p.Val269Leu (NM_001400642.1); c.628G>C, p.Val210Leu (NM_001400658.1, NM_001400659.1, NM_001400660.1 and 5 more transcripts); c.673G>C, p.Val225Leu (NM_001400651.1, NM_001400653.1, NM_001400654.1 and 6 more transcripts); c.706G>C, p.Val236Leu (NM_001400645.1); c.604G>C, p.Val202Leu (NM_001400664.1); c.364G>C, p.Val122Leu (NM_001400669.1); and 7 more; short protein forms V225L, V242L, V284L, V210L, S203T, V11L, V122L, V202L.
Identifiers: ClinVar variation 1476396 (VCV001476396.6), dbSNP rs2125318792, ClinGen allele CA350293648.

ClinVar aggregate classification (germline): Uncertain significance (1 of 4 stars; one submission).

Conditions:
Autoimmune lymphoproliferative syndrome type 2B. Also called: AUTOIMMUNE LYMPHOPROLIFERATIVE SYNDROME, TYPE IIB. Identifiers: Orphanet 275517, MedGen C1846545, MONDO:0011804, OMIM 607271.

Submission:

Labcorp Genetics (formerly Invitae), Labcorp
Classification: Uncertain significance for Autoimmune lymphoproliferative syndrome type 2B. Last evaluated: 2021-11-09. Review status: criteria provided, single submitter. Criteria: Invitae Variant Classification Sherloc (09022015). Collection method: clinical testing. Allele origin: germline.
Comment: This sequence change replaces valine, which is neutral and non-polar, with leucine, which is neutral and non-polar, at codon 242 of the CASP8 protein (p.Val242Leu). This variant has not been reported in the literature in individuals affected with CASP8-related conditions. This variant is not present in population databases (gnomAD no frequency). Algorithms developed to predict the effect of missense changes on protein structure and function (SIFT, PolyPhen-2, Align-GVGD) all suggest that this variant is likely to be tolerated. In summary, the available evidence is currently insufficient to determine the role of this variant in disease. Therefore, it has been classified as a Variant of Uncertain Significance.